The following is an entry in ClinVar:

ClinVar aggregate classification (germline): Uncertain significance (1 of 4 stars; one submission).

Conditions:
Leigh syndrome (NULS). Also called: Leigh's necrotizing encephalopathy; Leigh's disease; Leigh Syndrome (mtDNA deletion); Leigh Disease; Subacute necrotizing encephalopathy; Necrotizing encephalopathy infantile subacute of Leigh. Identifiers: Orphanet 506, MedGen C2931891, MONDO:0009723, OMIM 256000.

Submission:

Wong Mito Lab, Molecular and Human Genetics, Baylor College of Medicine
Classification: Uncertain significance for Leigh syndrome. Last evaluated: 2019-10-17. Review status: criteria provided, single submitter. Criteria: Modified ACMG Guidelines (Unpublished). Collection method: clinical testing. Allele origin: germline.
Comment: The NC_012920.1:m.8936T>C (YP_003024031.1:p.Leu137Pro) variant in MTATP6 gene is interpretated to be a Uncertain Significance variant based on the modified ACMG guidelines (unpublished). This variant meets the following evidence codes: PP3, PP7

NC_012920.1(MT-ATP6):m.8936T>C

Gene: MT-ATP6 (mitochondrially encoded ATP synthase 6; plus strand).
Variant type: single nucleotide variant.
Genome position: chrM-8936-T-C.
Identifiers: ClinVar variation 693028 (VCV000693028.1), dbSNP rs1603221920, ClinGen allele CA414799046.